The following is an entry in ClinVar:

ClinVar aggregate classification (germline): Uncertain significance. Review status: criteria provided, multiple submitters, no conflicts (2 of 4 stars). 2 submissions from 2 submitters: Uncertain significance (2). Last evaluated 2024-09-23.

Conditions:
Hereditary nonpolyposis colorectal neoplasms. Identifiers: MedGen C0009405, MeSH D003123.
Hereditary cancer-predisposing syndrome. Also called: Neoplastic Syndromes, Hereditary; Tumor predisposition; Hereditary Cancer Syndrome; Hereditary neoplastic syndrome. Identifiers: Orphanet 140162, MedGen C0027672, MeSH D009386, MONDO:0015356.

Submissions (2):

Labcorp Genetics (formerly Invitae), Labcorp
Classification: Uncertain significance for Hereditary nonpolyposis colorectal neoplasms. Last evaluated: 2024-09-23. Review status: criteria provided, single submitter. Criteria: Invitae Variant Classification Sherloc (09022015). Collection method: clinical testing. Allele origin: germline.
Comment: This sequence change replaces aspartic acid, which is acidic and polar, with histidine, which is basic and polar, at codon 938 of the MSH6 protein (p.Asp938His). This variant is not present in population databases (gnomAD no frequency). This variant has not been reported in the literature in individuals affected with MSH6-related conditions. ClinVar contains an entry for this variant (Variation ID: 525744). Invitae Evidence Modeling of protein sequence and biophysical properties (such as structural, functional, and spatial information, amino acid conservation, physicochemical variation, residue mobility, and thermodynamic stability) has been performed for this missense variant. However, the output from this modeling did not meet the statistical confidence thresholds required to predict the impact of this variant on MSH6 protein function. In summary, the available evidence is currently insufficient to determine the role of this variant in disease. Therefore, it has been classified as a Variant of Uncertain Significance.

Ambry Genetics
Classification: Uncertain significance for Hereditary cancer-predisposing syndrome. Last evaluated: 2020-01-31. Review status: criteria provided, single submitter. Criteria: Ambry Variant Classification Scheme 2023. Collection method: clinical testing. Allele origin: germline.
Comment: The p.D938H variant (also known as c.2812G>C), located in coding exon 4 of the MSH6 gene, results from a G to C substitution at nucleotide position 2812. The aspartic acid at codon 938 is replaced by histidine, an amino acid with similar properties. This amino acid position is highly conserved in available vertebrate species. In addition, this alteration is predicted to be deleterious by in silico analysis. Since supporting evidence is limited at this time, the clinical significance of this alteration remains unclear.

NM_000179.3(MSH6):c.2812G>C (p.Asp938His)

Gene: MSH6 (mutS homolog 6; plus strand). Cytogenetic location: 2p16.3.
Variant type: single nucleotide variant.
Coding change: c.2812G>C on transcript NM_000179.3 (MANE Select); coding-DNA position 2812, G replaced by C.
Protein change: p.Asp938His; replaces aspartic acid 938 with histidine.
Molecular consequence: missense variant.
Genome position (GRCh38, 1-based): chr2:47,800,795, G>C. VCF-style: chr2-47800795-G-C. GRCh37 (hg19) VCF-style: chr2-48027934-G-C.
Other names: c.2422G>C, p.Asp808His (NM_001281492.2); c.1906G>C, p.Asp636His (NM_001281493.2, NM_001281494.2); short protein forms D938H, D636H, D808H.
Identifiers: ClinVar variation 525744 (VCV000525744.13), dbSNP rs1553414175, ClinGen allele CA346755629.
Genomic context (GRCh38, chr2:47,800,795, plus strand): 5'-CATGAAAAGGCTCGAAAGACTGGACTTATTACTCCCAAAGCAGGCTTTGACTCTGATTAT[G>C]ACCAAGCTCTTGCTGACATAAGAGAAAATGAACAGAGCCTCCTGGAATACCTAGAGAAAC-3'
Protein context (NP_000170.1, residues 928-948): TPKAGFDSDY[Asp938His]QALADIRENE